The following is an entry in ClinVar:

NM_198578.4(LRRK2):c.4138A>T (p.Ile1380Leu)

Gene: LRRK2 (leucine rich repeat kinase 2; plus strand). Cytogenetic location: 12q12.
Variant type: single nucleotide variant.
Coding change: c.4138A>T on transcript NM_198578.4 (MANE Select); coding-DNA position 4138, A replaced by T.
Protein change: p.Ile1380Leu; replaces isoleucine 1380 with leucine.
Molecular consequence: missense variant.
Genome position (GRCh38, 1-based): chr12:40,308,645, A>T. VCF-style: chr12-40308645-A-T. GRCh37 (hg19) VCF-style: chr12-40702447-A-T.
Other names: short protein forms I1380L.
Identifiers: ClinVar variation 3291948 (VCV003291948.1).
Genomic context (GRCh38, chr12:40,308,645, plus strand): 5'-TCAGATCTTGGAATGCAAAGTGCCACAGTTGGCATAGATGTGAAAGACTGGCCTATCCAA[A>T]TAAGAGACAAAAGAAAGAGAGATCTCGTCCTAAATGTGTGGGATTTTGCAGGTATTTCTT-3'
Protein context (NP_940980.4, residues 1370-1390): GIDVKDWPIQ[Ile1380Leu]RDKRKRDLVL

ClinVar aggregate classification (germline): Uncertain significance (1 of 4 stars; one submission).

Conditions:
Inborn genetic diseases. Identifiers: MedGen C0950123, MeSH D030342.

Submission:

Ambry Genetics
Classification: Uncertain significance for Inborn genetic diseases. Last evaluated: 2024-04-09. Review status: criteria provided, single submitter. Criteria: Ambry Variant Classification Scheme 2023. Collection method: clinical testing. Allele origin: germline.
Comment: The p.I1380L variant (also known as c.4138A>T), located in coding exon 29 of the LRRK2 gene, results from an A to T substitution at nucleotide position 4138. The isoleucine at codon 1380 is replaced by leucine, an amino acid with highly similar properties. This amino acid position is conserved. In addition, this alteration is predicted to be tolerated by in silico analysis. Based on the available evidence, the clinical significance of this variant remains unclear.